The following is an entry in ClinVar:

NM_152279.4(ZNF585B):c.129C>T (p.His43=)

Gene: ZNF585B (zinc finger protein 585B; minus strand). Cytogenetic location: 19q13.12.
Variant type: single nucleotide variant.
Coding change: c.129C>T on transcript NM_152279.4 (MANE Select); coding-DNA position 129, C replaced by T.
Protein change: p.His43=; no amino-acid change (histidine 43 retained).
Molecular consequence: synonymous variant.
Genome position (GRCh38, 1-based): chr19:37,190,094, G>A on the plus strand (C>T on the coding strand, the complement: ZNF585B is on the minus strand). VCF-style: chr19-37190094-G-A. GRCh37 (hg19) VCF-style: chr19-37680996-G-A.
Identifiers: ClinVar variation 2649770 (VCV002649770.24), dbSNP rs200393606, ClinGen allele CA9403726.

ClinVar aggregate classification (germline): Likely benign (1 of 4 stars; one submission).

Allele frequency attached by ClinVar (database versions not stated): gnomAD 0.00005; gnomAD exomes 0.00007; ExAC 0.00012.
gnomAD v4.1: 124 of 1,614,030 alleles (0.0077%); highest among the groups gnomAD compares: Admixed American, 0.0017%; 1 homozygote.

Submission:

CeGaT Center for Human Genetics Tuebingen
Classification: Likely benign. Last evaluated: 2022-08-01. Review status: criteria provided, single submitter. Criteria: CeGaT Center For Human Genetics Tuebingen Variant Classification Criteria Version 2. Collection method: clinical testing. Allele origin: germline. Affected: yes. Observed: 1 variant allele.
Comment: ZNF585B: BP4, BP7